The following is an entry in ClinVar:

ClinVar aggregate classification (germline): Uncertain significance (1 of 4 stars; one submission).

Submission:

Labcorp Genetics (formerly Invitae), Labcorp
Classification: Uncertain significance. Last evaluated: 2025-09-26. Review status: criteria provided, single submitter. Criteria: Invitae Variant Classification Sherloc (09022015). Collection method: clinical testing. Allele origin: germline.
Comment: This sequence change replaces histidine, which is basic and polar, with glutamine, which is neutral and polar, at codon 341 of the GPR143 protein (p.His341Gln). This variant is not present in population databases (gnomAD no frequency). This variant has not been reported in the literature in individuals affected with GPR143-related conditions. Invitae Evidence Modeling of protein sequence and biophysical properties (such as structural, functional, and spatial information, amino acid conservation, physicochemical variation, residue mobility, and thermodynamic stability) indicates that this missense variant is not expected to disrupt GPR143 protein function with a negative predictive value of 95%. In summary, the available evidence is currently insufficient to determine the role of this variant in disease. Therefore, it has been classified as a Variant of Uncertain Significance.

NM_000273.3(GPR143):c.1023C>A (p.His341Gln)

Gene: GPR143 (G protein-coupled receptor 143; minus strand). Cytogenetic location: Xp22.2.
Variant type: single nucleotide variant.
Coding change: c.1023C>A on transcript NM_000273.3 (MANE Select); coding-DNA position 1023, C replaced by A.
Protein change: p.His341Gln; replaces histidine 341 with glutamine.
Molecular consequence: missense variant.
Genome position (GRCh38, 1-based): chrX:9,739,582, G>T on the plus strand (C>A on the coding strand, the complement: GPR143 is on the minus strand). VCF-style: chrX-9739582-G-T. GRCh37 (hg19) VCF-style: chrX-9707622-G-T.
Other names: c.1023C>A, p.His341Gln (NM_001440781.1); short protein forms H341Q.
Identifiers: ClinVar variation 4780562 (VCV004780562.1).